The following is an entry in ClinVar:

NM_018012.4(KIF26B):c.3684C>T (p.Pro1228=)

Gene: KIF26B (kinesin family member 26B; plus strand). Cytogenetic location: 1q44.
Variant type: single nucleotide variant.
Coding change: c.3684C>T on transcript NM_018012.4 (MANE Select); coding-DNA position 3684, C replaced by T.
Protein change: p.Pro1228=; no amino-acid change (proline 1228 retained).
Molecular consequence: synonymous variant.
Genome position (GRCh38, 1-based): chr1:245,686,667, C>T. VCF-style: chr1-245686667-C-T. GRCh37 (hg19) VCF-style: chr1-245849969-C-T.
Identifiers: ClinVar variation 3038390 (VCV003038390.2), dbSNP rs116468848, ClinGen allele CA1488312.

ClinVar aggregate classification (germline): Benign (0 of 4 stars; one submission).

Conditions:
KIF26B-related disorder. Also called: KIF26B-related condition.

Allele frequency attached by ClinVar (database versions not stated): ESP Exome Variant Server 0.03617; 1000 Genomes Project 30x 0.03670; 1000 Genomes Project 0.03794; TOPMed 0.03817; gnomAD 0.03839; ExAC 0.05443.
gnomAD v4.1: 80,107 of 1,611,676 alleles (5%); highest among the groups gnomAD compares: South Asian, 11%; 2,456 homozygotes.

Submission:

PreventionGenetics, part of Exact Sciences
Classification: Benign for KIF26B-related condition. Last evaluated: 2019-10-30. Review status: no assertion criteria provided. Collection method: clinical testing. Allele origin: germline.
Comment: This variant is classified as benign based on ACMG/AMP sequence variant interpretation guidelines (Richards et al. 2015 PMID: 25741868, with internal and published modifications).